The following is an entry in ClinVar:

NM_001370466.1(NOD2):c.1927A>G (p.Asn643Asp)

Gene: NOD2 (nucleotide binding oligomerization domain containing 2; plus strand). Cytogenetic location: 16q12.1.
Variant type: single nucleotide variant.
Coding change: c.1927A>G on transcript NM_001370466.1 (MANE Select); coding-DNA position 1927, A replaced by G.
Protein change: p.Asn643Asp; replaces asparagine 643 with aspartic acid.
Molecular consequence: missense variant. On other transcripts: non-coding transcript variant (1).
Genome position (GRCh38, 1-based): chr16:50,711,919, A>G. VCF-style: chr16-50711919-A-G. GRCh37 (hg19) VCF-style: chr16-50745830-A-G.
Other names: c.1927A>G, p.Asn643Asp (NM_001293557.2); c.2008A>G, p.Asn670Asp (NM_022162.3); short protein forms N643D, N670D.
Identifiers: ClinVar variation 3751049 (VCV003751049.2).

ClinVar aggregate classification (germline): Uncertain significance (1 of 4 stars; one submission).

Conditions:
Regional enteritis. Also called: Enteritis, Granulomatous. Identifiers: MedGen C0678202, MeSH D003424.
Blau syndrome (BLAUS). Also called: GRANULOMATOSIS, FAMILIAL JUVENILE SYSTEMIC; GRANULOMATOSIS, FAMILIAL, BLAU TYPE; GRANULOMATOUS INFLAMMATORY ARTHRITIS, DERMATITIS, AND UVEITIS, FAMILIAL; JABS SYNDROME; ARTHROCUTANEOUVEAL GRANULOMATOSIS. Identifiers: Orphanet 90340, MedGen C5201146, MONDO:0008523, OMIM 186580.

Submission:

Labcorp Genetics (formerly Invitae), Labcorp
Classification: Uncertain significance for Regional enteritis; Blau syndrome. Last evaluated: 2024-11-04. Review status: criteria provided, single submitter. Criteria: Invitae Variant Classification Sherloc (09022015). Collection method: clinical testing. Allele origin: germline.
Comment: This sequence change replaces asparagine, which is neutral and polar, with aspartic acid, which is acidic and polar, at codon 670 of the NOD2 protein (p.Asn670Asp). This variant is not present in population databases (gnomAD no frequency). This variant has not been reported in the literature in individuals affected with NOD2-related conditions. Invitae Evidence Modeling of protein sequence and biophysical properties (such as structural, functional, and spatial information, amino acid conservation, physicochemical variation, residue mobility, and thermodynamic stability) indicates that this missense variant is not expected to disrupt NOD2 protein function with a negative predictive value of 95%. This variant disrupts the p.Asn670 amino acid residue in NOD2. Other variant(s) that disrupt this residue have been determined to be pathogenic (PMID: 15459013, 20039400, 25093298, 32647028). This suggests that this residue is clinically significant, and that variants that disrupt this residue are likely to be disease-causing. In summary, the available evidence is currently insufficient to determine the role of this variant in disease. Therefore, it has been classified as a Variant of Uncertain Significance.

Literature cited by the submitters: PubMed 15459013; PubMed 20039400; PubMed 25093298; PubMed 32647028.